The following is an entry in ClinVar:

ClinVar aggregate classification (germline): Uncertain significance (1 of 4 stars; one submission).

Conditions:
Epidermolysis bullosa simplex with nail dystrophy (EBS5D). Identifiers: MedGen C4225309, MONDO:0014661, OMIM 616487.
Epidermolysis bullosa simplex 5C, with pyloric atresia (EBS5C). Also called: PLEC-Related Epidermolysis Bullosa with Pyloric Atresia; Epidermolysis bullosa simplex with pyloric atresia; PLEC1-Related Epidermolysis Bullosa with Pyloric Atresia. Identifiers: Orphanet 158684, MedGen C2677349, MONDO:0012807, OMIM 612138.
Epidermolysis bullosa simplex 5B, with muscular dystrophy (EBS5B). Also called: Epidermolysis bullosa simplex with muscular dystrophy; EPIDERMOLYSIS BULLOSA SIMPLEX AND LIMB-GIRDLE MUSCULAR DYSTROPHY. Identifiers: Orphanet 257, MedGen C2931072, MONDO:0009181, OMIM 226670.
Epidermolysis bullosa simplex, Ogna type (EBS5A). Also called: Pidermolysis bullosa simplex 5A, Ogna type; EPIDERMOLYSIS BULLOSA SIMPLEX 5A, OGNA TYPE. Identifiers: Orphanet 79401, MedGen C0432317, MONDO:0007555, OMIM 131950.
Autosomal recessive limb-girdle muscular dystrophy type 2Q (LGMDR17). Also called: MUSCULAR DYSTROPHY, LIMB-GIRDLE, AUTOSOMAL RECESSIVE 17. Identifiers: Orphanet 254361, MedGen C3150989, MONDO:0013390, OMIM 613723.

Allele frequency attached by ClinVar (database versions not stated): gnomAD 0.00001; ExAC 0.00002; gnomAD exomes 0.00002; TOPMed 0.00003.
gnomAD v4.1: 26 of 1,576,874 alleles (0.0016%); highest among the groups gnomAD compares: Non-Finnish European, 0.0022%; no homozygotes.

Submission:

Labcorp Genetics (formerly Invitae), Labcorp
Classification: Uncertain significance for Autosomal recessive limb-girdle muscular dystrophy type 2Q; Epidermolysis bullosa simplex, Ogna type; Epidermolysis bullosa simplex with nail dystrophy; Epidermolysis bullosa simplex 5C, with pyloric atresia; Epidermolysis bullosa simplex 5B, with muscular dystrophy. Last evaluated: 2025-07-30. Review status: criteria provided, single submitter. Criteria: Invitae Variant Classification Sherloc (09022015). Collection method: clinical testing. Allele origin: germline.
Comment: This sequence change replaces glutamic acid, which is acidic and polar, with lysine, which is basic and polar, at codon 1574 of the PLEC protein (p.Glu1574Lys). This variant is present in population databases (rs781960032, gnomAD 0.004%). This variant has not been reported in the literature in individuals affected with PLEC-related conditions. ClinVar contains an entry for this variant (Variation ID: 1058971). Invitae Evidence Modeling of protein sequence and biophysical properties (such as structural, functional, and spatial information, amino acid conservation, physicochemical variation, residue mobility, and thermodynamic stability) indicates that this missense variant is not expected to disrupt PLEC protein function with a negative predictive value of 80%. In summary, the available evidence is currently insufficient to determine the role of this variant in disease. Therefore, it has been classified as a Variant of Uncertain Significance.

NM_201384.3(PLEC):c.4639G>A (p.Glu1547Lys)

Gene: PLEC (plectin; minus strand). Cytogenetic location: 8q24.3.
Variant type: single nucleotide variant.
Coding change: c.4639G>A on transcript NM_201384.3 (MANE Select); coding-DNA position 4639, G replaced by A.
Protein change: p.Glu1547Lys; replaces glutamic acid 1547 with lysine.
Molecular consequence: missense variant.
Genome position (GRCh38, 1-based): chr8:143,925,290, C>T on the plus strand (G>A on the coding strand, the complement: PLEC is on the minus strand). VCF-style: chr8-143925290-C-T. GRCh37 (hg19) VCF-style: chr8-144999458-C-T.
Other names: c.4720G>A, p.Glu1574Lys (NM_000445.5); c.4597G>A, p.Glu1533Lys (NM_201378.4); c.4573G>A, p.Glu1525Lys (NM_201379.3); c.5050G>A, p.Glu1684Lys (NM_201380.4); c.4543G>A, p.Glu1515Lys (NM_201381.3); c.4639G>A, p.Glu1547Lys (NM_201382.4); c.4651G>A, p.Glu1551Lys (NM_201383.3); short protein forms E1515K, E1525K, E1533K, E1547K, E1551K, E1574K, E1684K.
Identifiers: ClinVar variation 1058971 (VCV001058971.5), dbSNP rs781960032, ClinGen allele CA4926597.